The following is an entry in ClinVar:

ClinVar aggregate classification (germline): Benign (1 of 4 stars; one submission).

Submission:

GeneDx
Classification: Benign. Last evaluated: 2018-06-14. Review status: criteria provided, single submitter. Criteria: GeneDx Variant Classification (06012015). Collection method: clinical testing. Allele origin: germline. Affected: yes.
Comment: This variant is considered likely benign or benign based on one or more of the following criteria: it is a conservative change, it occurs at a poorly conserved position in the protein, it is predicted to be benign by multiple in silico algorithms, and/or has population frequency not consistent with disease.

NM_005006.7(NDUFS1):c.261+201_261+202dup

Gene: NDUFS1 (NADH:ubiquinone oxidoreductase core subunit S1; minus strand). Cytogenetic location: 2q33.3.
Variant type: Duplication.
Coding change: c.261+201_261+202dup on transcript NM_005006.7 (MANE Select); bases 201 to 202 of the intron after coding-DNA position 261, 2 bases duplicated (GT; older notation c.261+201_261+202dupGT).
Molecular consequence: intron variant.
Genome position (GRCh38, 1-based): chr2:206,149,616-206,149,617, AC duplicated on the plus strand (GT on the coding strand, the reverse complement: NDUFS1 is on the minus strand); duplicating any 2 consecutive bases within chr2:206,149,616-206,149,618 gives the same sequence; the c. name uses the placement nearest the transcript's 3' end. VCF-style (leftmost placement, unchanged base first): chr2-206149615-G-GAC. GRCh37 (hg19) VCF-style: chr2-207014339-G-GAC.
Other names: c.6-1783_6-1782dup (NM_001199982.2); c.90+201_90+202dup (NM_001199983.2); c.154-521_154-520dup (NM_001199981.2); c.303+201_303+202dup (NM_001199984.2).
Identifiers: ClinVar variation 682755 (VCV000682755.1), dbSNP rs3217139, ClinGen allele CA63669933.